The following is an entry in ClinVar:

ClinVar aggregate classification (germline): Likely benign (0 of 4 stars; one submission).

Conditions:
SPOCK1-related disorder. Also called: SPOCK1-related condition.

Allele frequency attached by ClinVar (database versions not stated): TOPMed 0.00001.
gnomAD v4.1: 4 of 1,614,172 alleles (0.00025%); highest among the groups gnomAD compares: Admixed American, 0.0033%; no homozygotes.

Submission:

PreventionGenetics, part of Exact Sciences
Classification: Likely benign for SPOCK1-related condition. Last evaluated: 2019-08-14. Review status: no assertion criteria provided. Collection method: clinical testing. Allele origin: germline.
Comment: This variant is classified as likely benign based on ACMG/AMP sequence variant interpretation guidelines (Richards et al. 2015 PMID: 25741868, with internal and published modifications).

NM_004598.4(SPOCK1):c.816C>A (p.Ile272=)

Gene: SPOCK1 (SPARC (osteonectin), cwcv and kazal like domains proteoglycan 1; minus strand). Cytogenetic location: 5q31.2.
Variant type: single nucleotide variant.
Coding change: c.816C>A on transcript NM_004598.4 (MANE Select); coding-DNA position 816, C replaced by A.
Protein change: p.Ile272=; no amino-acid change (isoleucine 272 retained).
Molecular consequence: synonymous variant.
Genome position (GRCh38, 1-based): chr5:136,988,534, G>T on the plus strand (C>A on the coding strand, the complement: SPOCK1 is on the minus strand). VCF-style: chr5-136988534-G-T. GRCh37 (hg19) VCF-style: chr5-136324223-G-T.
Identifiers: ClinVar variation 3052764 (VCV003052764.2), dbSNP rs1220306555, ClinGen allele CA446706832.